The following is an entry in ClinVar:

ClinVar aggregate classification (germline): Conflicting classifications of pathogenicity. Review status: criteria provided, conflicting classifications (1 of 4 stars). 7 submissions from 7 submitters: Uncertain significance (6); Likely benign (1). Last evaluated 2026-04-22.

Conditions:
KIF1A-related disorder. Also called: KIF1A-related disorders; KIF1A-related condition.
Intellectual disability, autosomal dominant 9 (NESCAVS). Also called: NESCAV SYNDROME; KIF1A-Related Neurodevelopmental Disorder. Identifiers: Orphanet 662367, MedGen C5393830, MONDO:0013656, OMIM 614255.
Neuropathy, hereditary sensory, type 2C. Also called: Hereditary sensory and autonomic neuropathy type IIC; KIF1A-Related HSAN2 (HSAN2C). Identifiers: Orphanet 970, MedGen C3280168, MONDO:0013634, OMIM 614213.
Hereditary spastic paraplegia 30. Identifiers: Orphanet 101010, MedGen C5235139, MONDO:0012476.

Allele frequency attached by ClinVar (database versions not stated): gnomAD 0.00003 and 0.00004; gnomAD exomes 0.00006 and 0.00011; TOPMed 0.00007; ExAC 0.00019.
gnomAD v4.1: 88 of 1,612,662 alleles (0.0055%); highest among the groups gnomAD compares: Admixed American, 0.012%; no homozygotes.

Submissions (7):

PreventionGenetics, part of Exact Sciences
Classification: Uncertain significance for KIF1A-related condition. Last evaluated: 2026-04-22. Review status: criteria provided, single submitter. Criteria: ACMG Guidelines, 2015. Collection method: clinical testing. Allele origin: germline.
Comment: The KIF1A c.1862C>T variant is predicted to result in the amino acid substitution p.Thr621Met. This variant has been reported in individuals with developmental disorder (Suppl. Table 1, Kaplanis et al. 2020. PubMed ID: 33057194; Suppl. Data 3, Zhou et al. 2022. PubMed ID: 35982159). This variant is reported in 0.017% of alleles in individuals of Latino descent in gnomAD. At this time, the clinical significance of this variant is uncertain due to the absence of conclusive functional and genetic evidence.

Labcorp Genetics (formerly Invitae), Labcorp
Classification: Uncertain significance for Hereditary spastic paraplegia 30; Neuropathy, hereditary sensory, type 2C; Intellectual disability, autosomal dominant 9. Last evaluated: 2025-08-04. Review status: criteria provided, single submitter. Criteria: Invitae Variant Classification Sherloc (09022015). Collection method: clinical testing. Allele origin: germline.
Comment: This sequence change replaces threonine, which is neutral and polar, with methionine, which is neutral and non-polar, at codon 612 of the KIF1A protein (p.Thr612Met). This variant is present in population databases (rs760338913, gnomAD 0.02%). This missense change has been observed in individual(s) with KIF1A-related conditions (PMID: 33057194). ClinVar contains an entry for this variant (Variation ID: 211276). Invitae Evidence Modeling of protein sequence and biophysical properties (such as structural, functional, and spatial information, amino acid conservation, physicochemical variation, residue mobility, and thermodynamic stability) has been performed for this missense variant. However, the output from this modeling did not meet the statistical confidence thresholds required to predict the impact of this variant on KIF1A protein function. In summary, the available evidence is currently insufficient to determine the role of this variant in disease. Therefore, it has been classified as a Variant of Uncertain Significance.

Laboratory of Genetics, Children's Clinical University Hospital Latvia
Classification: Likely benign. Last evaluated: 2025-02-16. Review status: criteria provided, single submitter. Criteria: ACMG Guidelines, 2015. Collection method: clinical testing. Allele origin: germline. Affected: yes.

Genetics and Genomic Medicine Centre, NeuroGen Healthcare, NeuroGen Healthcare
Classification: Uncertain significance for Intellectual disability, autosomal dominant 9. Last evaluated: 2025-01-17. Review status: criteria provided, single submitter. Criteria: ACMG Guidelines, 2015. Collection method: clinical testing. Allele origin: unknown. Affected: yes.

GeneDx
Classification: Uncertain significance. Last evaluated: 2022-02-10. Review status: criteria provided, single submitter. Criteria: GeneDx Variant Classification Process June 2021. Collection method: clinical testing. Allele origin: germline. Affected: yes.
Comment: In silico analysis supports that this missense variant has a deleterious effect on protein structure/function; Has not been previously published as pathogenic or benign to our knowledge

CeGaT Center for Human Genetics Tuebingen
Classification: Uncertain significance. Last evaluated: 2016-06-01. Review status: criteria provided, single submitter. Criteria: CeGaT Center For Human Genetics Tuebingen Variant Classification Criteria Version 2. Collection method: clinical testing. Allele origin: germline. Affected: yes. Observed: 1 variant allele.

Genetic Services Laboratory, University of Chicago
Classification: Uncertain significance. Last evaluated: 2015-06-11. Review status: criteria provided, single submitter. Criteria: ACMG Guidelines, 2015. Collection method: clinical testing. Allele origin: germline.

Literature cited by the submitters: PubMed 33057194 (cited by Labcorp Genetics (formerly Invitae), Labcorp).

NM_001244008.2(KIF1A):c.1862C>T (p.Thr621Met)

Gene: KIF1A (kinesin family member 1A; minus strand). Cytogenetic location: 2q37.3.
Variant type: single nucleotide variant.
Coding change: c.1862C>T on transcript NM_001244008.2 (MANE Select); coding-DNA position 1862, C replaced by T.
Protein change: p.Thr621Met; replaces threonine 621 with methionine.
Molecular consequence: missense variant.
Genome position (GRCh38, 1-based): chr2:240,763,253, G>A on the plus strand (C>T on the coding strand, the complement: KIF1A is on the minus strand). VCF-style: chr2-240763253-G-A. GRCh37 (hg19) VCF-style: chr2-241702670-G-A.
Other names: c.1835C>T, p.Thr612Met (NM_001379639.1, NM_001379640.1, NM_001379641.1 and 10 more transcripts); c.1937C>T, p.Thr646Met (NM_001379646.1, NM_001330290.2, NM_001379631.1 and 2 more transcripts); c.1910C>T, p.Thr637Met (NM_001379648.1, NM_001379637.1); c.1862C>T (NM_001244008.1); c.1862C>T, p.Thr621Met (NM_001320705.2, NM_001330289.2, NM_001379638.1); short protein forms T612M, T621M, T646M, T637M.
Identifiers: ClinVar variation 211276 (VCV000211276.64), dbSNP rs760338913, ClinGen allele CA209684.
Genomic context (GRCh38, chr2:240,763,253, plus strand): 5'-ATGCCCTGCTTCTCCAGCAGCTCACGCTGGGCGAAGGCCCAGTCCACAGGCTCAGCTGGC[G>A]TCTCCGCACAAGGCGTGCGCTCACGCTCCTGCCGGGCCTGCTCGGGGTGGTTGAACCGGA-3'
Protein context (NP_001230937.1, residues 611-631): QERERTPCAE[Thr621Met]PAEPVDWAFA